The following is an entry in ClinVar:

ClinVar aggregate classification (germline): Benign/Likely benign. Review status: criteria provided, multiple submitters, no conflicts (2 of 4 stars). 3 submissions from 3 submitters: Benign (1); Likely benign (2). Last evaluated 2026-07-10.

Conditions:
Rhabdoid tumor predisposition syndrome 2 (RTPS2). Identifiers: Orphanet 231108, Orphanet 69077, MedGen C2750074, MONDO:0013224, OMIM 613325.
Hereditary cancer-predisposing syndrome. Also called: Hereditary neoplastic syndrome; Neoplastic Syndromes, Hereditary; Tumor predisposition; Hereditary Cancer Syndrome. Identifiers: Orphanet 140162, MedGen C0027672, MeSH D009386, MONDO:0015356.

Submissions (3):

Myriad Genetics, Inc.
Classification: Benign for Rhabdoid tumor predisposition syndrome 2. Last evaluated: 2026-07-10. Review status: criteria provided, single submitter. Criteria: Myriad Autosomal Dominant, Autosomal Recessive and X-Linked Classification Criteria (2023). Collection method: clinical testing. Allele origin: unknown.
Comment: This variant is considered benign. This variant is a silent/synonymous amino acid change and it is not expected to impact splicing.

Labcorp Genetics (formerly Invitae), Labcorp
Classification: Likely benign for Rhabdoid tumor predisposition syndrome 2. Last evaluated: 2024-01-17. Review status: criteria provided, single submitter. Criteria: Invitae Variant Classification Sherloc (09022015). Collection method: clinical testing. Allele origin: germline.

Ambry Genetics
Classification: Likely benign for Hereditary cancer-predisposing syndrome. Last evaluated: 2015-07-09. Review status: criteria provided, single submitter. Criteria: Ambry Variant Classification Scheme 2023. Collection method: clinical testing. Allele origin: germline.

NM_003072.5(SMARCA4):c.1923C>G (p.Ala641=)

Gene: SMARCA4 (SWI/SNF related BAF chromatin remodeling complex subunit ATPase 4; plus strand). Cytogenetic location: 19p13.2.
Variant type: single nucleotide variant.
Coding change: c.1923C>G on transcript NM_003072.5 (MANE Select); coding-DNA position 1923, C replaced by G.
Protein change: p.Ala641=; no amino-acid change (alanine 641 retained).
Molecular consequence: synonymous variant. On other transcripts: non-coding transcript variant (1).
Genome position (GRCh38, 1-based): chr19:11,003,139, C>G. VCF-style: chr19-11003139-C-G. GRCh37 (hg19) VCF-style: chr19-11113815-C-G.
Other names: c.1923C>G, p.Ala641= (NM_001128844.3, NM_001128845.2, NM_001128846.2 and 4 more transcripts).
Identifiers: ClinVar variation 820346 (VCV000820346.14), dbSNP rs1600133373, ClinGen allele CA505486384.